The following is an entry in ClinVar:

NM_015272.5(RPGRIP1L):c.1414_1417del (p.Gln472fs)

Gene: RPGRIP1L (RPGRIP1 like; minus strand). Cytogenetic location: 16q12.2.
Variant type: Deletion.
Coding change: c.1414_1417del on transcript NM_015272.5 (MANE Select); coding-DNA positions 1414 to 1417, 4 bases deleted (CAAA; older notation c.1414_1417delCAAA).
Protein change: p.Gln472fs; shifts the reading frame from glutamine 472.
Molecular consequence: frameshift variant.
Genome position (GRCh38, 1-based): chr16:53,657,617-53,657,620, TTTG deleted on the plus strand (CAAA on the coding strand, the reverse complement: RPGRIP1L is on the minus strand); deleting any 4 consecutive bases within chr16:53,657,617-53,657,622 gives the same sequence; the c. name uses the placement nearest the transcript's 3' end. VCF-style (leftmost placement, unchanged base first): chr16-53657616-TTTTG-T. GRCh37 (hg19) VCF-style: chr16-53691528-TTTTG-T.
Other names: c.1414_1417del, p.Gln472fs (NM_001127897.4, NM_001308334.3, NM_001330538.2); short protein forms Q472fs.
Identifiers: ClinVar variation 1456333 (VCV001456333.6), dbSNP rs2151157384, ClinGen allele CA2573152402.
Genomic context (GRCh38, chr16:53,657,616, plus strand): 5'-CGTTCTAGATCTTTATTAATTTCACTATCTACTTTCACTAAAAAGGAAAGGTCTCCATTT[TTTTG>T]TTCTTTTTGAGCCTAAAATAAAAAACATGTTTTATGACTGAAACAAAAATTTCTAAGATG-3'

ClinVar aggregate classification (germline): Pathogenic (1 of 4 stars; one submission).

Conditions:
Meckel-Gruber syndrome. Also called: DYSENCEPHALIA SPLANCHNOCYSTICA; GRUBER SYNDROME; Dysencephalia splachnocystica. Identifiers: Orphanet 564, MedGen C0265215, MONDO:0018921.
Joubert syndrome. Also called: CEREBELLOPARENCHYMAL DISORDER IV; JOUBERT-BOLTSHAUSER SYNDROME; Familial aplasia of the vermis. Identifiers: Orphanet 475, MedGen C5979921, MONDO:0018772.

Submission:

Labcorp Genetics (formerly Invitae), Labcorp
Classification: Pathogenic for Joubert syndrome; Meckel-Gruber syndrome. Last evaluated: 2021-10-23. Review status: criteria provided, single submitter. Criteria: Invitae Variant Classification Sherloc (09022015). Collection method: clinical testing. Allele origin: germline.
Comment: For these reasons, this variant has been classified as Pathogenic. This variant has not been reported in the literature in individuals affected with RPGRIP1L-related conditions. This variant is not present in population databases (gnomAD no frequency). This sequence change creates a premature translational stop signal (p.Gln472Lysfs*8) in the RPGRIP1L gene. It is expected to result in an absent or disrupted protein product. Loss-of-function variants in RPGRIP1L are known to be pathogenic (PMID: 17558409).

Literature cited by the submitters: PubMed 17558409.